The following is an entry in ClinVar:

ClinVar aggregate classification (germline): Uncertain significance (1 of 4 stars; one submission).

Conditions:
Noonan syndrome 9 (NS9). Identifiers: Orphanet 648, MedGen C4225282, MONDO:0014691, OMIM 616559.

Allele frequency attached by ClinVar (database versions not stated): gnomAD 0.00001.

Submission:

Labcorp Genetics (formerly Invitae), Labcorp
Classification: Uncertain significance for Noonan syndrome 9. Last evaluated: 2023-03-10. Review status: criteria provided, single submitter. Criteria: Invitae Variant Classification Sherloc (09022015). Collection method: clinical testing. Allele origin: germline.
Comment: In summary, the available evidence is currently insufficient to determine the role of this variant in disease. Therefore, it has been classified as a Variant of Uncertain Significance. Advanced modeling of protein sequence and biophysical properties (such as structural, functional, and spatial information, amino acid conservation, physicochemical variation, residue mobility, and thermodynamic stability) performed at Invitae indicates that this missense variant is not expected to disrupt SOS2 protein function. This variant has not been reported in the literature in individuals affected with SOS2-related conditions. This variant is not present in population databases (gnomAD no frequency). This sequence change replaces phenylalanine, which is neutral and non-polar, with leucine, which is neutral and non-polar, at codon 928 of the SOS2 protein (p.Phe928Leu).

NM_006939.4(SOS2):c.2784T>A (p.Phe928Leu)

Gene: SOS2 (SOS Ras/Rho guanine nucleotide exchange factor 2; minus strand). Cytogenetic location: 14q21.3.
Variant type: single nucleotide variant.
Coding change: c.2784T>A on transcript NM_006939.4 (MANE Select); coding-DNA position 2784, T replaced by A.
Protein change: p.Phe928Leu; replaces phenylalanine 928 with leucine.
Molecular consequence: missense variant.
Genome position (GRCh38, 1-based): chr14:50,139,943, A>T on the plus strand (T>A on the coding strand, the complement: SOS2 is on the minus strand). VCF-style: chr14-50139943-A-T. GRCh37 (hg19) VCF-style: chr14-50606661-A-T.
Other names: c.2685T>A, p.Phe895Leu (NM_001411020.1); short protein forms F895L, F928L.
Identifiers: ClinVar variation 2844737 (VCV002844737.3), dbSNP rs1884215110, ClinGen allele CA389642598.
Genomic context (GRCh38, chr14:50,139,943, plus strand): 5'-TGCTCTCTTTTGGCTATCACACGCTCACCCTCAAAATATATCCATATTTAGTAACTTACC[A>T]AAAAAAGGCACACAAGGTGGATTGATTGACTTAAGTTTTACTAGGTATTTTTTAAAGTGA-3'
Protein context (NP_008870.2, residues 918-938): KSINPPCVPF[Phe928Leu]GIYLTNILKT